The following is an entry in ClinVar:

ClinVar aggregate classification (germline): Benign. Review status: criteria provided, multiple submitters, no conflicts (2 of 4 stars). 6 submissions from 6 submitters: Benign (6). Last evaluated 2026-08-01.

Conditions:
Severe combined immunodeficiency disease. Also called: Severe Combined Immune Deficiency; Severe combined immunodeficiency. Identifiers: Orphanet 183660, MedGen C0085110, MeSH D016511, MONDO:0015974, HP:0004430. Inheritance: X-Linked or Autosomal recessive.
T-B+ severe combined immunodeficiency due to JAK3 deficiency. Also called: SCID, autosomal recessive, T-negative/B-positive type; SCID, T CELL-NEGATIVE, B CELL-POSITIVE, NK CELL-NEGATIVE. Identifiers: Orphanet 35078, MedGen C1833275, MONDO:0010938, OMIM 600802.

Allele frequency attached by ClinVar (database versions not stated): 1000 Genomes Project 30x 0.00468; ESP Exome Variant Server 0.00961; gnomAD 0.01034 and 0.01008; 1000 Genomes Project 0.00459; TOPMed 0.00941.
gnomAD v4.1: 20,245 of 1,614,058 alleles (1.3%); highest among the groups gnomAD compares: Non-Finnish European, 1.5%; 160 homozygotes.

Submissions (6):

CeGaT Center for Human Genetics Tuebingen
Classification: Benign. Last evaluated: 2026-08-01. Review status: criteria provided, single submitter. Criteria: CeGaT Center For Human Genetics Tuebingen Variant Classification Criteria Version 2. Collection method: clinical testing. Allele origin: germline. Affected: yes. Observed: 8 variant alleles.
Comment: JAK3: BP4, BP7, BS1, BS2

Labcorp Genetics (formerly Invitae), Labcorp
Classification: Benign for T-B+ severe combined immunodeficiency due to JAK3 deficiency. Last evaluated: 2026-02-04. Review status: criteria provided, single submitter. Criteria: Invitae Variant Classification Sherloc (09022015). Collection method: clinical testing. Allele origin: germline.

Illumina Laboratory Services, Illumina
Classification: Benign for T-B+ severe combined immunodeficiency due to JAK3 deficiency. Last evaluated: 2017-04-27. Review status: criteria provided, single submitter. Criteria: ICSL Variant Classification Criteria 13 December 2019. Collection method: clinical testing. Allele origin: germline.
Comment: This variant was observed as part of a predisposition screen in an ostensibly healthy population. A literature search was performed for the gene, cDNA change, and amino acid change (where applicable). Publications were found based on this search. The evidence from the literature, in combination with allele frequency data from public databases where available, was sufficient to rule this variant out of causing disease. Therefore, this variant is classified as benign.

GeneDx
Classification: Benign. Last evaluated: 2012-11-28. Review status: criteria provided, single submitter. Criteria: GeneDx Variant Classification (06012015). Collection method: clinical testing. Allele origin: germline. Affected: yes.
Comment: This variant is considered likely benign or benign based on one or more of the following criteria: it is a conservative change, it occurs at a poorly conserved position in the protein, it is predicted to be benign by multiple in silico algorithms, and/or has population frequency not consistent with disease.

Women's Health and Genetics/Laboratory Corporation of America, LabCorp
Classification: Benign for SCID. Last evaluated: 2011-08-18. Review status: criteria provided, single submitter. Criteria: LabCorp Variant Classification Summary - May 2015. Collection method: curation, clinical testing. Allele origin: germline. Inheritance: autosomal unknown. Affected: yes.
ClinVar note: Converted during submission from benign to Benign.

Breakthrough Genomics
Classification: Benign. Review status: criteria provided, single submitter. Criteria: ACMG Guidelines, 2015. Collection method: not provided. Allele origin: germline. Inheritance: Autosomal recessive inheritance. Affected: yes.

Literature cited by the submitters: PubMed 25146434 (cited by Illumina Laboratory Services, Illumina); PubMed 17644747 (cited by Women's Health and Genetics/Laboratory Corporation of America, LabCorp).

NM_000215.4(JAK3):c.2259C>T (p.Ala753=)

Gene: JAK3 (Janus kinase 3; minus strand). Cytogenetic location: 19p13.11.
Variant type: single nucleotide variant.
Coding change: c.2259C>T on transcript NM_000215.4 (MANE Select); coding-DNA position 2259, C replaced by T.
Protein change: p.Ala753=; no amino-acid change (alanine 753 retained).
Molecular consequence: synonymous variant.
Genome position (GRCh38, 1-based): chr19:17,834,662, G>A on the plus strand (C>T on the coding strand, the complement: JAK3 is on the minus strand). VCF-style: chr19-17834662-G-A. GRCh37 (hg19) VCF-style: chr19-17945471-G-A.
Other names: p.A753A:GCC>GCT.
Identifiers: ClinVar variation 36418 (VCV000036418.31), dbSNP rs35458530, ClinGen allele CA214088.